The following is an entry in ClinVar:

ClinVar aggregate classification (germline): Uncertain significance (1 of 4 stars; one submission).

Conditions:
Hereditary cancer-predisposing syndrome. Also called: Tumor predisposition; Hereditary Cancer Syndrome; Hereditary neoplastic syndrome; Neoplastic Syndromes, Hereditary. Identifiers: Orphanet 140162, MedGen C0027672, MeSH D009386, MONDO:0015356.

Allele frequency attached by ClinVar (database versions not stated): gnomAD exomes below 0.00001; gnomAD 0.00001.
gnomAD v4.1: 2 of 1,610,684 alleles (0.00012%); highest among the groups gnomAD compares: Admixed American, 0.0017%; no homozygotes.

Submission:

Ambry Genetics
Classification: Uncertain significance for Hereditary cancer-predisposing syndrome. Last evaluated: 2023-07-26. Review status: criteria provided, single submitter. Criteria: Ambry Variant Classification Scheme 2023. Collection method: clinical testing. Allele origin: germline.
Comment: The p.F62C variant (also known as c.185T>G), located in coding exon 3 of the POT1 gene, results from a T to G substitution at nucleotide position 185. The phenylalanine at codon 62 is replaced by cysteine, an amino acid with highly dissimilar properties. This amino acid position is conserved. In addition, this alteration is predicted to be deleterious by in silico analysis. Since supporting evidence is limited at this time, the clinical significance of this alteration remains unclear.

NM_015450.3(POT1):c.185T>G (p.Phe62Cys)

Gene: POT1 (protection of telomeres 1; minus strand). Cytogenetic location: 7q31.33.
Variant type: single nucleotide variant.
Coding change: c.185T>G on transcript NM_015450.3 (MANE Select); coding-DNA position 185, T replaced by G.
Protein change: p.Phe62Cys; replaces phenylalanine 62 with cysteine.
Molecular consequence: missense variant. On other transcripts: non-coding transcript variant (3), intron variant (1).
Genome position (GRCh38, 1-based): chr7:124,870,981, A>C on the plus strand (T>G on the coding strand, the complement: POT1 is on the minus strand). VCF-style: chr7-124870981-A-C. GRCh37 (hg19) VCF-style: chr7-124511035-A-C.
Other names: c.-138-7341T>G (NM_001042594.2); short protein forms F62C.
Identifiers: ClinVar variation 2624666 (VCV002624666.2), dbSNP rs1795853782, ClinGen allele CA369061526.